The following is an entry in ClinVar:

ClinVar aggregate classification (germline): Likely pathogenic (1 of 4 stars; one submission).

Conditions:
Septo-optic dysplasia sequence (SOD). Also called: DE MORSIER SYNDROME; Septo-optic dysplasia. Identifiers: Orphanet 3157, MedGen C0338503, MONDO:0008428, OMIM 182230, HP:0100842.

Submission:

Greenwood Genetic Center Diagnostic Laboratories, Greenwood Genetic Center
Classification: Likely pathogenic for Septo-optic dysplasia sequence. Last evaluated: 2026-04-03. Review status: criteria provided, single submitter. Criteria: ACMG Guidelines, 2015. Collection method: clinical testing. Allele origin: germline. Affected: yes.
Comment: PVS1, PM2

NM_003865.3(HESX1):c.164del (p.Asp55fs)

Gene: HESX1 (HESX homeobox 1; minus strand). Cytogenetic location: 3p14.3.
Variant type: Deletion.
Coding change: c.164del on transcript NM_003865.3 (MANE Select); coding-DNA position 164, one base deleted (A; older notation c.164delA).
Protein change: p.Asp55fs; shifts the reading frame from aspartic acid 55.
Molecular consequence: frameshift variant.
Genome position (GRCh38, 1-based): chr3:57,198,946, T deleted on the plus strand (A on the coding strand, the reverse complement: HESX1 is on the minus strand). VCF-style (leftmost placement, unchanged base first): chr3-57198945-AT-A. GRCh37 (hg19) VCF-style: chr3-57232973-AT-A.
Other names: c.164del, p.Asp55fs (NM_001376058.1, NM_001376059.1, NM_001376060.1 and 1 more transcripts); short protein forms D55fs.
Identifiers: ClinVar variation 4891195 (VCV004891195.1).